The following is an entry in ClinVar:

ClinVar aggregate classification (germline): Likely benign (1 of 4 stars; one submission).

Allele frequency attached by ClinVar (database versions not stated): gnomAD exomes 0.00001; ExAC 0.00002.
gnomAD v4.1: 6 of 1,604,680 alleles (0.00037%); highest among the groups gnomAD compares: Non-Finnish European, 0.00051%; no homozygotes.

Submission:

CeGaT Center for Human Genetics Tuebingen
Classification: Likely benign. Last evaluated: 2024-05-01. Review status: criteria provided, single submitter. Criteria: CeGaT Center For Human Genetics Tuebingen Variant Classification Criteria Version 2. Collection method: clinical testing. Allele origin: germline. Affected: yes. Observed: 1 variant allele.
Comment: MAG: BP4, BP7

NM_002361.4(MAG):c.456C>A (p.Gly152=)

Gene: MAG (myelin associated glycoprotein; plus strand). Cytogenetic location: 19q13.12.
Variant type: single nucleotide variant.
Coding change: c.456C>A on transcript NM_002361.4 (MANE Select); coding-DNA position 456, C replaced by A.
Protein change: p.Gly152=; no amino-acid change (glycine 152 retained).
Molecular consequence: synonymous variant.
Genome position (GRCh38, 1-based): chr19:35,299,594, C>A. VCF-style: chr19-35299594-C-A. GRCh37 (hg19) VCF-style: chr19-35790497-C-A.
Other names: c.381C>A, p.Gly127= (NM_001199216.2); c.456C>A, p.Gly152= (NM_080600.3).
Identifiers: ClinVar variation 3239312 (VCV003239312.19), dbSNP rs756067510.